The following is an entry in ClinVar:

NM_001003694.2(BRPF1):c.1447G>C (p.Val483Leu)

Gene: BRPF1 (bromodomain and PHD finger containing 1; plus strand). Cytogenetic location: 3p25.3.
Variant type: single nucleotide variant.
Coding change: c.1447G>C on transcript NM_001003694.2 (MANE Select); coding-DNA position 1447, G replaced by C.
Protein change: p.Val483Leu; replaces valine 483 with leucine.
Molecular consequence: missense variant. On other transcripts: non-coding transcript variant (1).
Genome position (GRCh38, 1-based): chr3:9,739,846, G>C. VCF-style: chr3-9739846-G-C. GRCh37 (hg19) VCF-style: chr3-9781530-G-C.
Other names: c.1447G>C, p.Val483Leu (NM_001319049.2, NM_001319050.2, NM_001410704.1 and 1 more transcripts); short protein forms V483L.
Identifiers: ClinVar variation 3372878 (VCV003372878.1).

ClinVar aggregate classification (germline): Uncertain significance (1 of 4 stars; one submission).

Submission:

GeneDx
Classification: Uncertain significance. Last evaluated: 2024-04-19. Review status: criteria provided, single submitter. Criteria: GeneDx Variant Classification Process June 2021. Collection method: clinical testing. Allele origin: germline. Affected: yes.
Comment: Not observed at significant frequency in large population cohorts (gnomAD); In silico analysis indicates that this missense variant does not alter protein structure/function; Has not been previously published as pathogenic or benign to our knowledge